The following is an entry in ClinVar:

NM_000642.3(AGL):c.4161+1G>A

Gene: AGL (amylo-alpha-1,6-glucosidase and 4-alpha-glucanotransferase; plus strand). Cytogenetic location: 1p21.2.
Variant type: single nucleotide variant.
Coding change: c.4161+1G>A on transcript NM_000642.3 (MANE Select); the canonical splice donor site of the intron after coding-DNA position 4161, G replaced by A.
Molecular consequence: splice donor variant.
Genome position (GRCh38, 1-based): chr1:99,913,739, G>A. VCF-style: chr1-99913739-G-A. GRCh37 (hg19) VCF-style: chr1-100379295-G-A.
Other names: c.4161+1G>A (NM_000643.3, NM_000644.3, NM_001425325.1 and 1 more transcripts); c.4113+1G>A (NM_000646.3); c.4140+1G>A (NM_001425326.1); c.3960+1G>A (NM_001425327.1); c.3957+1G>A (NM_001425328.1); c.3822+1G>A (NM_001425329.1); c.3783+1G>A (NM_001425332.1).
Identifiers: ClinVar variation 4814455 (VCV004814455.1).

ClinVar aggregate classification (germline): Likely pathogenic (1 of 4 stars; one submission).

Conditions:
Glycogen storage disease type III (GSD3). Also called: FORBES DISEASE; Cori disease. Identifiers: Orphanet 366, MedGen C0017922, MONDO:0009291, OMIM 232400.

Submission:

Natera, Inc.
Classification: Likely pathogenic for Glycogen storage disease type III. Last evaluated: 2025-10-21. Review status: criteria provided, single submitter. Criteria: Natera Variant Classification Schema (03/2026). Collection method: clinical testing. Allele origin: germline.
Comment: The c.4161+1G>A variant in AGL is a canonical splice donor site variant predicted to affect pre-mRNA splicing, which may result in an abnormal transcript and altered protein product. This variant is expected to result in nonsense mediated decay, truncation, or a dysfunctional protein product. This variant is rare in the general population with a frequency below the threshold expected for the associated phenotype(s). Given the available evidence, this variant is classified as Likely Pathogenic.